The following is an entry in ClinVar:

ClinVar aggregate classification (germline): Uncertain significance (1 of 4 stars; one submission).

Conditions:
Hereditary cancer-predisposing syndrome. Also called: Tumor predisposition; Hereditary neoplastic syndrome; Hereditary Cancer Syndrome; Neoplastic Syndromes, Hereditary. Identifiers: Orphanet 140162, MedGen C0027672, MeSH D009386, MONDO:0015356.

Allele frequency attached by ClinVar (database versions not stated): gnomAD exomes below 0.00001.
gnomAD v4.1: 1 of 1,611,744 alleles (0.000062%); highest among the groups gnomAD compares: Non-Finnish European, 0.000085%; no homozygotes.

Submission:

Ambry Genetics
Classification: Uncertain significance for Hereditary cancer-predisposing syndrome. Last evaluated: 2025-10-27. Review status: criteria provided, single submitter. Criteria: Ambry Variant Classification Scheme 2023. Collection method: clinical testing. Allele origin: germline.
Comment: The p.E11G variant (also known as c.32A>G), located in coding exon 1 of the BLM gene, results from an A to G substitution at nucleotide position 32. The glutamic acid at codon 11 is replaced by glycine, an amino acid with similar properties. This amino acid position is well conserved in available vertebrate species. In addition, this alteration is predicted to be tolerated by in silico analysis. Since supporting evidence is limited at this time, the clinical significance of this alteration remains unclear.

NM_000057.4(BLM):c.32A>G (p.Glu11Gly)

Gene: BLM (BLM RecQ like helicase; plus strand). Cytogenetic location: 15q26.1.
Variant type: single nucleotide variant.
Coding change: c.32A>G on transcript NM_000057.4 (MANE Select); coding-DNA position 32, A replaced by G.
Protein change: p.Glu11Gly; replaces glutamic acid 11 with glycine.
Molecular consequence: missense variant. On other transcripts: 5 prime UTR variant (1).
Genome position (GRCh38, 1-based): chr15:90,747,424, A>G. VCF-style: chr15-90747424-A-G. GRCh37 (hg19) VCF-style: chr15-91290654-A-G.
Other names: c.32A>G, p.Glu11Gly (NM_001287246.2, NM_001287247.2); c.-1260A>G (NM_001287248.2); short protein forms E11G.
Identifiers: ClinVar variation 3224430 (VCV003224430.2), dbSNP rs2505384885, ClinGen allele CA393838839.